The following is an entry in ClinVar:

NM_032043.3(BRIP1):c.1523A>G (p.Tyr508Cys)

Gene: BRIP1 (BRCA1 interacting DNA helicase 1; minus strand). Cytogenetic location: 17q23.2.
Variant type: single nucleotide variant.
Coding change: c.1523A>G on transcript NM_032043.3 (MANE Select); coding-DNA position 1523, A replaced by G.
Protein change: p.Tyr508Cys; replaces tyrosine 508 with cysteine.
Molecular consequence: missense variant.
Genome position (GRCh38, 1-based): chr17:61,784,375, T>C on the plus strand (A>G on the coding strand, the complement: BRIP1 is on the minus strand). VCF-style: chr17-61784375-T-C. GRCh37 (hg19) VCF-style: chr17-59861736-T-C.
Other names: short protein forms Y508C.
Identifiers: ClinVar variation 630028 (VCV000630028.13), dbSNP rs1567817029, ClinGen allele CA400481313.

ClinVar aggregate classification (germline): Uncertain significance. Review status: criteria provided, multiple submitters, no conflicts (2 of 4 stars). 3 submissions from 3 submitters: Uncertain significance (3). Last evaluated 2024-12-14.

Conditions:
Familial cancer of breast. Also called: BREAST CANCER, FAMILIAL; Hereditary breast cancer; hereditary breast carcinoma. Identifiers: Orphanet 227535, MedGen C0346153, MONDO:0016419, OMIM 114480. Disease mechanism: loss of function.
Fanconi anemia complementation group J. Also called: BRIP1-Related Fanconi Anemia. Identifiers: Orphanet 84, MedGen C1836860, MONDO:0012187, OMIM 609054.
Hereditary cancer-predisposing syndrome. Also called: Tumor predisposition; Neoplastic Syndromes, Hereditary; Hereditary Cancer Syndrome; Hereditary neoplastic syndrome. Identifiers: Orphanet 140162, MedGen C0027672, MeSH D009386, MONDO:0015356.
Familial ovarian cancer. Identifiers: MedGen C5679802, MONDO:0016248.

Allele frequency attached by ClinVar (database versions not stated): gnomAD exomes below 0.00001.
gnomAD v4.1: 2 of 1,613,428 alleles (0.00012%); highest among the groups gnomAD compares: Non-Finnish European, 0.00017%; no homozygotes.

Submissions (3):

Molecular Pathology, Peter Maccallum Cancer Centre
Classification: Uncertain significance for Familial ovarian cancer. Last evaluated: 2024-12-14. Review status: criteria provided, single submitter. Criteria: ACMG Guidelines, 2015. Collection method: clinical testing. Allele origin: germline. Inheritance: Autosomal dominant inheritance.

Color Diagnostics, LLC DBA Color Health
Classification: Uncertain significance for Hereditary cancer-predisposing syndrome. Last evaluated: 2023-12-04. Review status: criteria provided, single submitter. Criteria: ACMG Guidelines, 2015. Collection method: clinical testing. Allele origin: germline.
Comment: This missense variant replaces tyrosine with cysteine at codon 508 of the BRIP1 protein. Computational prediction suggests that this variant may not impact protein structure and function (internally defined REVEL score threshold <= 0.5, PMID: 27666373). To our knowledge, functional studies have not been reported for this variant. This variant has not been reported in individuals affected with BRIP1-related disorders in the literature. This variant has not been identified in the general population by the Genome Aggregation Database (gnomAD). The available evidence is insufficient to determine the role of this variant in disease conclusively. Therefore, this variant is classified as a Variant of Uncertain Significance.

Labcorp Genetics (formerly Invitae), Labcorp
Classification: Uncertain significance for Familial cancer of breast; Fanconi anemia complementation group J. Last evaluated: 2021-09-01. Review status: criteria provided, single submitter. Criteria: Invitae Variant Classification Sherloc (09022015). Collection method: clinical testing. Allele origin: germline.
Comment: This sequence change replaces tyrosine with cysteine at codon 508 of the BRIP1 protein (p.Tyr508Cys). The tyrosine residue is weakly conserved and there is a large physicochemical difference between tyrosine and cysteine. This variant is not present in population databases (ExAC no frequency). This variant has not been reported in the literature in individuals affected with BRIP1-related conditions. ClinVar contains an entry for this variant (Variation ID: 630028). Algorithms developed to predict the effect of missense changes on protein structure and function are either unavailable or do not agree on the potential impact of this missense change (SIFT: "Tolerated"; PolyPhen-2: "Possibly Damaging"; Align-GVGD: "Class C0"). In summary, the available evidence is currently insufficient to determine the role of this variant in disease. Therefore, it has been classified as a Variant of Uncertain Significance.